The following is an entry in ClinVar:

NM_001182.5(ALDH7A1):c.797G>A (p.Arg266Gln)

Gene: ALDH7A1 (aldehyde dehydrogenase 7 family member A1; minus strand). Cytogenetic location: 5q23.2.
Variant type: single nucleotide variant.
Coding change: c.797G>A on transcript NM_001182.5 (MANE Select); coding-DNA position 797, G replaced by A.
Protein change: p.Arg266Gln; replaces arginine 266 with glutamine.
Molecular consequence: missense variant.
Genome position (GRCh38, 1-based): chr5:126,568,333, C>T on the plus strand (G>A on the coding strand, the complement: ALDH7A1 is on the minus strand). VCF-style: chr5-126568333-C-T. GRCh37 (hg19) VCF-style: chr5-125904025-C-T.
Other names: p.R266Q:CGA>CAA; c.713G>A, p.Arg238Gln (NM_001201377.2); c.797G>A, p.Arg266Gln (NM_001202404.2); short protein forms R266Q, R238Q.
Identifiers: ClinVar variation 204837 (VCV000204837.3), dbSNP rs796052259, ClinGen allele CA313181.
Genomic context (GRCh38, chr5:126,568,333, plus strand): 5'-ACCATCAGGCCCACCTGTTTTCCCACCTGAGTGCTCCCAGTGAAGGACAGCAGGTTCACT[C>T]GTTCATCTTTGGCCATTGCTGTGCTGCAAGGGAACAGACACGGTCGGCCACCCAAGCAGA-3'
Protein context (NP_001173.2, residues 256-276): DIGTAMAKDE[Arg266Gln]VNLLSFTGST

ClinVar aggregate classification (germline): Uncertain significance. Review status: criteria provided, multiple submitters, no conflicts (2 of 4 stars). 2 submissions from 2 submitters: Uncertain significance (2). Last evaluated 2025-08-04.

Conditions:
Pyridoxine-dependent epilepsy (EPEO4). Also called: Pyridoxine-Dependent Seizures; Pyridoxine-Dependent Epilepsy - ALDH7A1; PYRIDOXINE DEPENDENCY WITH SEIZURES; EPILEPSY, EARLY-ONSET, 4, VITAMIN B6-DEPENDENT. Identifiers: Orphanet 3006, MedGen C1849508, MONDO:0009945, OMIM 266100. Disease mechanism: loss of function.

Allele frequency attached by ClinVar (database versions not stated): gnomAD 0.00001.
gnomAD v4.1: 1 of 1,613,972 alleles (0.000062%); highest among the groups gnomAD compares: African/African-American, 0.0013%; no homozygotes.

Submissions (2):

Labcorp Genetics (formerly Invitae), Labcorp
Classification: Uncertain significance for Pyridoxine-dependent epilepsy. Last evaluated: 2025-08-04. Review status: criteria provided, single submitter. Criteria: Invitae Variant Classification Sherloc (09022015). Collection method: clinical testing. Allele origin: germline.
Comment: This sequence change replaces arginine, which is basic and polar, with glutamine, which is neutral and polar, at codon 266 of the ALDH7A1 protein (p.Arg266Gln). This variant is not present in population databases (gnomAD no frequency). This variant has not been reported in the literature in individuals affected with ALDH7A1-related conditions. ClinVar contains an entry for this variant (Variation ID: 204837). An algorithm developed to predict the effect of missense changes on protein structure and function outputs the following: PolyPhen-2: "Benign". The glutamine amino acid residue is found in multiple mammalian species, which suggests that this missense change does not adversely affect protein function. In summary, the available evidence is currently insufficient to determine the role of this variant in disease. Therefore, it has been classified as a Variant of Uncertain Significance.

GeneDx
Classification: Uncertain significance. Last evaluated: 2013-07-24. Review status: criteria provided, single submitter. Criteria: GeneDx Variant Classification (06012015). Collection method: clinical testing. Allele origin: germline. Affected: yes.
Comment: p.Arg266Gln (CGA>CAA): c.797 G>A in exon 9 of the ALDH7A1 gene (NM_001182.3). The Arg266Gln missense change has not been published as a mutation, nor has it been reported as a benign polymorphism to our knowledge. It was not observed in approximately 6,500 individuals of European and African American ancestry in the NHLBI Exome Sequencing Project, indicating it is not a common benign variant in these populations. This variant is a non-conservative amino acid substitution of a positively charged Arginine residue with an uncharged Glutamine residue at a position that is not conserved across species. In silico analysis is inconsistent with regard to the effect this variant may have on the protein structure/function. Therefore, based on the currently available information, it is unclear whether Arg266Gln is a disease-causing mutation or a rare benign variant. The variant is found in EPILEPSY panel(s).